The following is an entry in ClinVar:

NM_177438.3(DICER1):c.4797_4806del (p.Glu1600fs)

Gene: DICER1 (dicer 1, ribonuclease III; minus strand). Cytogenetic location: 14q32.13.
Variant type: Deletion.
Coding change: c.4797_4806del on transcript NM_177438.3 (MANE Select); coding-DNA positions 4797 to 4806, 10 bases deleted (GGAAAAGGCC; older notation c.4797_4806delGGAAAAGGCC).
Protein change: p.Glu1600fs; shifts the reading frame from glutamic acid 1600.
Molecular consequence: frameshift variant. On other transcripts: non-coding transcript variant (6).
Genome position (GRCh38, 1-based): chr14:95,096,114-95,096,123, GGCCTTTTCC deleted on the plus strand (GGAAAAGGCC on the coding strand, the reverse complement: DICER1 is on the minus strand). VCF-style (leftmost placement, unchanged base first): chr14-95096113-GGGCCTTTTCC-G. GRCh37 (hg19) VCF-style: chr14-95562450-GGGCCTTTTCC-G.
Other names: c.4797_4806del, p.Glu1600fs (NM_001195573.1, NM_001271282.3, NM_001291628.2 and 12 more transcripts); c.4797_4806delGGAAAAGGCC, p.Glu1600Cysfs (NM_001395681.1); c.4515_4524del, p.Glu1506fs (NM_001395686.1); c.4392_4401del, p.Glu1465fs (NM_001395687.1, NM_001395688.1, NM_001395689.1 and 2 more transcripts); c.4230_4239del, p.Glu1411fs (NM_001395691.1); c.3114_3123del, p.Glu1039fs (NM_001395697.1); short protein forms E1039fs, E1411fs, E1465fs, E1506fs, E1600fs.
Identifiers: ClinVar variation 2101152 (VCV002101152.4), dbSNP rs2542485412, ClinGen allele CA2580088977.
Genomic context (GRCh38, chr14:95,096,113, plus strand): 5'-CAGCACAGCTCACTGAAAGGTTCTTTTGTTGGCTGTTGAAATTCTCCCGAGTAGGGCACA[GGGCCTTTTCC>G]CGATCAGTCCTTTTAATTACCGGGAGCACCTTCAGCCCCAGTGAACAGAGGAAAAGCTGA-3'

ClinVar aggregate classification (germline): Pathogenic (1 of 4 stars; one submission).

Conditions:
DICER1-related tumor predisposition. Also called: DICER1 syndrome; DICER1-related pleuropulmonary blastoma cancer predisposition syndrome. Identifiers: Orphanet 284343, MedGen C3839822, MONDO:0100216.

Submission:

Labcorp Genetics (formerly Invitae), Labcorp
Classification: Pathogenic for DICER1-related tumor predisposition. Last evaluated: 2022-03-14. Review status: criteria provided, single submitter. Criteria: Invitae Variant Classification Sherloc (09022015). Collection method: clinical testing. Allele origin: germline.
Comment: This sequence change creates a premature translational stop signal (p.Glu1600Cysfs*17) in the DICER1 gene. It is expected to result in an absent or disrupted protein product. Loss-of-function variants in DICER1 are known to be pathogenic (PMID: 19556464, 21266384). This variant is not present in population databases (gnomAD no frequency). This variant has not been reported in the literature in individuals affected with DICER1-related conditions. For these reasons, this variant has been classified as Pathogenic.

Literature cited by the submitters: PubMed 19556464; PubMed 21266384.